The following is an entry in ClinVar:

ClinVar aggregate classification (germline): Uncertain significance (1 of 4 stars; one submission).

Submission:

Ambry Genetics
Classification: Uncertain significance. Last evaluated: 2024-06-22. Review status: criteria provided, single submitter. Criteria: Ambry Variant Classification Scheme 2023. Collection method: clinical testing. Allele origin: germline.
Comment: The p.I143V variant (also known as c.427A>G), located in coding exon 3 of the POLQ gene, results from an A to G substitution at nucleotide position 427. The isoleucine at codon 143 is replaced by valine, an amino acid with highly similar properties. This amino acid position is conserved. In addition, this alteration is predicted to be tolerated by in silico analysis. Based on the available evidence, the clinical significance of this variant remains unclear.

NM_199420.4(POLQ):c.427A>G (p.Ile143Val)

Gene: POLQ (DNA polymerase theta; minus strand). Cytogenetic location: 3q13.33.
Variant type: single nucleotide variant.
Coding change: c.427A>G on transcript NM_199420.4 (MANE Select); coding-DNA position 427, A replaced by G.
Protein change: p.Ile143Val; replaces isoleucine 143 with valine.
Molecular consequence: missense variant.
Genome position (GRCh38, 1-based): chr3:121,541,396, T>C on the plus strand (A>G on the coding strand, the complement: POLQ is on the minus strand). VCF-style: chr3-121541396-T-C. GRCh37 (hg19) VCF-style: chr3-121260243-T-C.
Other names: short protein forms I143V.
Identifiers: ClinVar variation 3308744 (VCV003308744.1).